The following is an entry in ClinVar:

ClinVar aggregate classification (germline): Conflicting classifications of pathogenicity. Review status: criteria provided, conflicting classifications (1 of 4 stars). 2 submissions from 2 submitters: Uncertain significance (1); Likely benign (1). Last evaluated 2023-06-23.

Conditions:
Nemaline myopathy 2 (NEM2). Also called: Nemaline myopathy 2, autosomal recessive. Identifiers: MedGen C1850569, MONDO:0009725, OMIM 256030.

gnomAD v4.1: 3 of 1,612,830 alleles (0.00019%); highest among the groups gnomAD compares: African/African-American, 0.004%; no homozygotes.

Submissions (2):

Labcorp Genetics (formerly Invitae), Labcorp
Classification: Likely benign for Nemaline myopathy 2. Last evaluated: 2023-06-23. Review status: criteria provided, single submitter. Criteria: Invitae Variant Classification Sherloc (09022015). Collection method: clinical testing. Allele origin: germline.

GeneDx
Classification: Uncertain significance. Last evaluated: 2021-04-21. Review status: criteria provided, single submitter. Criteria: GeneDx Variant Classification Process June 2021. Collection method: clinical testing. Allele origin: germline. Affected: yes.
Comment: Not observed at significant frequency in large population cohorts (Lek et al., 2016); In silico analysis supports that this missense variant has a deleterious effect on protein structure/function; Has not been previously published as pathogenic or benign to our knowledge

NM_001164508.2(NEB):c.3136A>T (p.Asn1046Tyr)

Gene: NEB (nebulin; minus strand). Cytogenetic location: 2q23.3.
Variant type: single nucleotide variant.
Coding change: c.3136A>T on transcript NM_001164508.2 (MANE Select); coding-DNA position 3136, A replaced by T.
Protein change: p.Asn1046Tyr; replaces asparagine 1046 with tyrosine.
Molecular consequence: missense variant.
Genome position (GRCh38, 1-based): chr2:151,679,929, T>A on the plus strand (A>T on the coding strand, the complement: NEB is on the minus strand). VCF-style: chr2-151679929-T-A. GRCh37 (hg19) VCF-style: chr2-152536443-T-A.
Other names: c.3136A>T, p.Asn1046Tyr (NM_001164507.2, NM_001271208.2, NM_004543.5); short protein forms N1046Y.
Identifiers: ClinVar variation 1314890 (VCV001314890.5), dbSNP rs200564629, ClinGen allele CA348820414.